The following is an entry in ClinVar:

ClinVar aggregate classification (germline): Uncertain significance (1 of 4 stars; one submission).

Conditions:
Hereditary cancer-predisposing syndrome. Also called: Neoplastic Syndromes, Hereditary; Tumor predisposition; Hereditary Cancer Syndrome; Hereditary neoplastic syndrome. Identifiers: Orphanet 140162, MedGen C0027672, MeSH D009386, MONDO:0015356.

gnomAD v4.1: 1 of 1,614,262 alleles (0.000062%); highest among the groups gnomAD compares: Non-Finnish European, 0.000085%; no homozygotes.

Submission:

Ambry Genetics
Classification: Uncertain significance for Hereditary cancer-predisposing syndrome. Last evaluated: 2025-12-04. Review status: criteria provided, single submitter. Criteria: Ambry Variant Classification Scheme 2023. Collection method: clinical testing. Allele origin: germline.
Comment: The p.K716Q variant (also known as c.2146A>C), located in coding exon 18 of the EGFR gene, results from an A to C substitution at nucleotide position 2146. The lysine at codon 716 is replaced by glutamine, an amino acid with similar properties. This amino acid position is highly conserved in available vertebrate species. In addition, the in silico prediction for this alteration is inconclusive. Based on the available evidence, the clinical significance of this variant remains unclear.

NM_005228.5(EGFR):c.2146A>C (p.Lys716Gln)

Gene: EGFR (epidermal growth factor receptor; plus strand). Cytogenetic location: 7p11.2.
Variant type: single nucleotide variant.
Coding change: c.2146A>C on transcript NM_005228.5 (MANE Select); coding-DNA position 2146, A replaced by C.
Protein change: p.Lys716Gln; replaces lysine 716 with glutamine.
Molecular consequence: missense variant.
Genome position (GRCh38, 1-based): chr7:55,174,005, A>C. VCF-style: chr7-55174005-A-C. GRCh37 (hg19) VCF-style: chr7-55241698-A-C.
Other names: c.2011A>C, p.Lys671Gln (NM_001346897.2, NM_001346899.2); c.2146A>C, p.Lys716Gln (NM_001346898.2); c.1987A>C, p.Lys663Gln (NM_001346900.2); c.1345A>C, p.Lys449Gln (NM_001346941.2); short protein forms K449Q, K663Q, K671Q, K716Q.
Identifiers: ClinVar variation 4639774 (VCV004639774.1).